The following is an entry in ClinVar:

ClinVar aggregate classification (germline): Conflicting classifications of pathogenicity. Review status: criteria provided, conflicting classifications (1 of 4 stars). 4 submissions from 4 submitters: Uncertain significance (3); Likely benign (1). Last evaluated 2024-03-24.

Conditions:
Arrhythmogenic cardiomyopathy with wooly hair and keratoderma. Also called: Dilated cardiomyopathy with woolly hair and keratoderma; Arrhythmogenic cardiomyopathy with woolly hair and keratoderma; PALMOPLANTAR KERATODERMA WITH LEFT VENTRICULAR CARDIOMYOPATHY AND WOOLLY HAIR; Carvajal syndrome. Identifiers: Orphanet 65282, MedGen C1854063, MONDO:0011581, OMIM 605676.
Arrhythmogenic right ventricular dysplasia 8 (ARVD8). Also called: Arrhythmogenic Right Ventricular Dysplasia/Cardiomyopathy 8; ARRHYTHMOGENIC RIGHT VENTRICULAR DYSPLASIA, FAMILIAL, 8; ARRHYTHMOGENIC RIGHT VENTRICULAR CARDIOMYOPATHY 8. Identifiers: MedGen C1843896, MONDO:0011831, OMIM 607450.
Cardiomyopathy (CMYO). Also called: Cardiomyopathies. Identifiers: Orphanet 167848, MedGen C0878544, MONDO:0004994, HP:0001638. Inheritance: Various modes of inheritance.

Allele frequency attached by ClinVar (database versions not stated): gnomAD exomes below 0.00001 and 0.00001; TOPMed below 0.00001; gnomAD 0.00003.
gnomAD v4.1: 7 of 1,614,176 alleles (0.00043%); highest among the groups gnomAD compares: Non-Finnish European, 0.00059%; no homozygotes.

Submissions (4):

All of Us Research Program, National Institutes of Health
Classification: Uncertain significance for Arrhythmogenic cardiomyopathy with wooly hair and keratoderma. Last evaluated: 2024-03-24. Review status: criteria provided, single submitter. Criteria: ACMG Guidelines, 2015. Collection method: clinical testing. Allele origin: germline. Inheritance: Autosomal dominant inheritance. Observed: 1 variant allele, 1 heterozygote.
Comment: This missense variant replaces phenylalanine with serine at codon 2609 of the DSP protein. Computational prediction suggests that this variant may not impact protein structure and function (internally defined REVEL score threshold <= 0.5, PMID: 27666373). To our knowledge, functional studies have not been reported for this variant. This variant has not been reported in individuals affected with DSP-related disorders in the literature. This variant has been identified in 3/282696 chromosomes in the general population by the Genome Aggregation Database (gnomAD). The available evidence is insufficient to determine the role of this variant in disease conclusively. Therefore, this variant is classified as a Variant of Uncertain Significance.

This study involves interpretation of variants in research participants for the purpose of population health screening. Participant phenotype was not available at the time of variant classification. Additional details can be found in publication PMID: 35346344, PMCID: PMC8962531

Color Diagnostics, LLC DBA Color Health
Classification: Uncertain significance for Cardiomyopathy. Last evaluated: 2024-03-06. Review status: criteria provided, single submitter. Criteria: ACMG Guidelines, 2015. Collection method: clinical testing. Allele origin: germline.
Comment: This missense variant replaces phenylalanine with serine at codon 2609 of the DSP protein. Computational prediction suggests that this variant may not impact protein structure and function (internally defined REVEL score threshold <= 0.5, PMID: 27666373). To our knowledge, functional studies have not been reported for this variant. This variant has not been reported in individuals affected with DSP-related disorders in the literature. This variant has been identified in 3/282696 chromosomes in the general population by the Genome Aggregation Database (gnomAD). The available evidence is insufficient to determine the role of this variant in disease conclusively. Therefore, this variant is classified as a Variant of Uncertain Significance.

Labcorp Genetics (formerly Invitae), Labcorp
Classification: Likely benign for Arrhythmogenic cardiomyopathy with wooly hair and keratoderma; Arrhythmogenic right ventricular dysplasia 8. Last evaluated: 2023-11-01. Review status: criteria provided, single submitter. Criteria: Invitae Variant Classification Sherloc (09022015). Collection method: clinical testing. Allele origin: germline.

Laboratory for Molecular Medicine, Mass General Brigham Personalized Medicine
Classification: Uncertain significance. Last evaluated: 2012-03-02. Review status: criteria provided, single submitter. Criteria: LMM Criteria. Collection method: clinical testing. Allele origin: germline. Observed: 1 variant allele.
Comment: Variant classified as Uncertain Significance - Favor Benign. The Phe2609Ser vari ant (DSP) has not been reported in the literature nor previously identified by o ur laboratory. Phenylalanine (Phe) at position 2609 is not conserved in mammals (several other species carry a leucine), which suggests that a change at this p osition may not impact the protein. Additional computational analyses (biochemic al amino acid properties, AlignGVGD, PolyPhen2, and SIFT) do not provide strong support for or against an impact to the protein. Collectively, this information is not predictive enough to rule out pathogenicity. Although the lack of amino a cid conservation at this position suggests that the Phe2609Ser variant may be be nign, additional information is needed to fully assess its clinical significance .

NM_004415.4(DSP):c.7826T>C (p.Phe2609Ser)

Gene: DSP (desmoplakin; plus strand). Cytogenetic location: 6p24.3.
Variant type: single nucleotide variant.
Coding change: c.7826T>C on transcript NM_004415.4 (MANE Select); coding-DNA position 7826, T replaced by C.
Protein change: p.Phe2609Ser; replaces phenylalanine 2609 with serine.
Molecular consequence: missense variant.
Genome position (GRCh38, 1-based): chr6:7,585,088, T>C. VCF-style: chr6-7585088-T-C. GRCh37 (hg19) VCF-style: chr6-7585321-T-C.
Other names: c.6029T>C, p.Phe2010Ser (NM_001008844.3); c.6497T>C, p.Phe2166Ser (NM_001319034.2); short protein forms F2609S, F2166S, F2010S.
Identifiers: ClinVar variation 44955 (VCV000044955.20), dbSNP rs397516959, ClinGen allele CA007289.